The following is an entry in ClinVar:

ClinVar aggregate classification (germline): Uncertain significance. Review status: criteria provided, multiple submitters, no conflicts (2 of 4 stars). 3 submissions from 3 submitters: Uncertain significance (3). Last evaluated 2023-10-25.

Conditions:
Familial thoracic aortic aneurysm and aortic dissection (TAAD). Also called: Thoracic aortic aneurysms and dissections. Identifiers: Orphanet 91387, MedGen C4707243, MONDO:0019625.
Aortic aneurysm, familial thoracic 6 (AAT6). Also called: FAMILIAL THORACIC AORTIC ANEURYSM WITH LIVEDO RETICULARIS AND IRIS FLOCCULI. Identifiers: MedGen C2673186, MONDO:0012730, OMIM 611788.

Allele frequency attached by ClinVar (database versions not stated): gnomAD exomes below 0.00001.

Submissions (3):

Ambry Genetics
Classification: Uncertain significance for Familial thoracic aortic aneurysm and aortic dissection. Last evaluated: 2023-10-25. Review status: criteria provided, single submitter. Criteria: Ambry Variant Classification Scheme 2023. Collection method: clinical testing. Allele origin: germline.
Comment: The p.Q123* variant (also known as c.367C>T), located in coding exon 3 of the ACTA2 gene, results from a C to T substitution at nucleotide position 367. This changes the amino acid from a glutamine to a stop codon within coding exon 3. This alteration is expected to result in protein truncation or nonsense-mediated mRNA decay. However, loss of function of ACTA2 has not been established as a mechanism of disease. Since supporting evidence is limited at this time, the clinical significance of this alteration remains unclear.

Labcorp Genetics (formerly Invitae), Labcorp
Classification: Uncertain significance for Aortic aneurysm, familial thoracic 6. Last evaluated: 2020-06-07. Review status: criteria provided, single submitter. Criteria: Invitae Variant Classification Sherloc (09022015). Collection method: clinical testing. Allele origin: germline.
Comment: This sequence change creates a premature translational stop signal (p.Gln123*) in the ACTA2 gene. It is expected to result in an absent or disrupted protein product. This variant is not present in population databases (ExAC no frequency). In summary, the available evidence is currently insufficient to determine the role of this variant in disease. Therefore, it has been classified as a Variant of Uncertain Significance. The current clinical and genetic evidence is not sufficient to establish whether loss-of-function variants in ACTA2 cause disease. This variant has not been reported in the literature in individuals with ACTA2-related conditions.

GeneDx
Classification: Uncertain significance. Last evaluated: 2020-02-19. Review status: criteria provided, single submitter. Criteria: GeneDx Variant Classification Process June 2021. Collection method: clinical testing. Allele origin: germline. Affected: yes.
Comment: Has not been previously published as pathogenic or benign to our knowledge; Not observed in large population cohorts (Lek et al., 2016); Nonsense variant predicted to result in protein truncation or nonsense mediated decay in a gene for which loss-of-function is not a known mechanism of disease

NM_001613.4(ACTA2):c.367C>T (p.Gln123Ter)

Gene: ACTA2 (actin alpha 2, smooth muscle; minus strand). Cytogenetic location: 10q23.31.
Variant type: single nucleotide variant.
Coding change: c.367C>T on transcript NM_001613.4 (MANE Select); coding-DNA position 367, C replaced by T.
Protein change: p.Gln123Ter; replaces glutamine 123 with a stop codon.
Molecular consequence: nonsense.
Genome position (GRCh38, 1-based): chr10:88,943,799, G>A on the plus strand (C>T on the coding strand, the complement: ACTA2 is on the minus strand). VCF-style: chr10-88943799-G-A. GRCh37 (hg19) VCF-style: chr10-90703556-G-A.
Other names: c.367C>T, p.Gln123Ter (NM_001141945.3, NM_001320855.2, NM_001406462.1 and 3 more transcripts); c.238C>T, p.Gln80Ter (NM_001406467.1, NM_001406468.1, NM_001406469.1); short protein forms Q123*, Q80*.
Identifiers: ClinVar variation 1000368 (VCV001000368.10), dbSNP rs1845899288, ClinGen allele CA377512781.
Genomic context (GRCh38, chr10:88,943,799, plus strand): 5'-CTTCTAACAGAAGTTTCCCCAGACCCCACAGTGTTGTGTGCTGGGGTAGCATACTTACTT[G>A]AGTCATTTTCTCCCGGTTGGCCTTGGGGTTCAGGGGTGCCTCCGTGAGCAGGGTGGGATG-3'